The following is an entry in ClinVar:

ClinVar aggregate classification (germline): Uncertain significance. Review status: criteria provided, multiple submitters, no conflicts (2 of 4 stars). 2 submissions from 2 submitters: Uncertain significance (2). Last evaluated 2025-06-22.

Conditions:
Inborn genetic diseases. Identifiers: MedGen C0950123, MeSH D030342.
Progressive myoclonic epilepsy. Also called: Progressive myoclonus epilepsy; Familial progressive myoclonic epilepsy; Myoclonic Epilepsies, Progressive; Myoclonus epilepsy. Identifiers: Orphanet 308, Orphanet 98261, MedGen C0751778, MONDO:0020074.

Allele frequency attached by ClinVar (database versions not stated): gnomAD 0.00001; gnomAD exomes 0.00001.
gnomAD v4.1: 14 of 1,614,128 alleles (0.00087%); highest among the groups gnomAD compares: Non-Finnish European, 0.0012%; no homozygotes.

Submissions (2):

Ambry Genetics
Classification: Uncertain significance for Inborn genetic diseases. Last evaluated: 2025-06-22. Review status: criteria provided, single submitter. Criteria: Ambry Variant Classification Scheme 2023. Collection method: clinical testing. Allele origin: germline.

Labcorp Genetics (formerly Invitae), Labcorp
Classification: Uncertain significance for Progressive myoclonic epilepsy. Last evaluated: 2022-06-16. Review status: criteria provided, single submitter. Criteria: Invitae Variant Classification Sherloc (09022015). Collection method: clinical testing. Allele origin: germline.
Comment: Algorithms developed to predict the effect of missense changes on protein structure and function are either unavailable or do not agree on the potential impact of this missense change (SIFT: "Deleterious"; PolyPhen-2: "Benign"; Align-GVGD: "Class C0"). In summary, the available evidence is currently insufficient to determine the role of this variant in disease. Therefore, it has been classified as a Variant of Uncertain Significance. This variant has not been reported in the literature in individuals affected with EPM2A-related conditions. The frequency data for this variant in the population databases is considered unreliable, as metrics indicate poor data quality at this position in the gnomAD database. This sequence change replaces valine, which is neutral and non-polar, with phenylalanine, which is neutral and non-polar, at codon 324 of the EPM2A protein (p.Val324Phe).

NM_005670.4(EPM2A):c.970G>T (p.Val324Phe)

Gene: EPM2A (EPM2A glucan phosphatase, laforin; minus strand). Cytogenetic location: 6q24.3.
Variant type: single nucleotide variant.
Coding change: c.970G>T on transcript NM_005670.4 (MANE Select); coding-DNA position 970, G replaced by T.
Protein change: p.Val324Phe; replaces valine 324 with phenylalanine.
Molecular consequence: missense variant. On other transcripts: 3 prime UTR variant (1), non-coding transcript variant (1), intron variant (1).
Genome position (GRCh38, 1-based): chr6:145,627,442, C>A on the plus strand (G>T on the coding strand, the complement: EPM2A is on the minus strand). VCF-style: chr6-145627442-C-A. GRCh37 (hg19) VCF-style: chr6-145948578-C-A.
Other names: c.*53G>T (NM_001360057.2); c.556G>T, p.Val186Phe (NM_001360064.2, NM_001360071.2, NM_001368131.1); c.508G>T, p.Val170Phe (NM_001368129.2, NM_001368132.1); c.924+46G>T (NM_001018041.2); c.970G>T (NM_005670.3); short protein forms V170F, V186F, V324F.
Identifiers: ClinVar variation 1424896 (VCV001424896.10), dbSNP rs941854726, ClinGen allele CA149183252.
Genomic context (GRCh38, chr6:145,627,442, plus strand): 5'-GGAAATCAGGAGGGGGCAGAAGCAGGCTGACCAGCTACAGGCTACACACAGAAGAACGAA[C>A]CTTCCCAAATTTCTGGAAAAAATCTTCTTGTGCCCGGGCCAAGGCCTCTTCGTCAATGTA-3'
Protein context (NP_005661.1, residues 314-331): QEDFFQKFGK[Val324Phe]RSSVCSL